The following is an entry in ClinVar:

NM_032578.4(MYPN):c.2429G>C (p.Arg810Pro)

Gene: MYPN (myopalladin; plus strand). Cytogenetic location: 10q21.3.
Variant type: single nucleotide variant.
Coding change: c.2429G>C on transcript NM_032578.4 (MANE Select); coding-DNA position 2429, G replaced by C.
Protein change: p.Arg810Pro; replaces arginine 810 with proline.
Molecular consequence: missense variant. On other transcripts: non-coding transcript variant (2).
Genome position (GRCh38, 1-based): chr10:68,174,521, G>C. VCF-style: chr10-68174521-G-C. GRCh37 (hg19) VCF-style: chr10-69934278-G-C.
Other names: p.Arg810Pro; c.2429G>C, p.Arg810Pro (NM_001256267.2); c.1547G>C, p.Arg516Pro (NM_001256268.2); short protein forms R516P, R810P.
Identifiers: ClinVar variation 653904 (VCV000653904.2), dbSNP rs1021994218, ClinGen allele CA376847365.
Genomic context (GRCh38, chr10:68,174,521, plus strand): 5'-CAGAACCAACACCACCACCATTCACATTTTCCATCCCCAGCGGAAACCAGTTTCAGCCCC[G>C]CTGTGTGTCCCCAATTCCTGTCTCTCCTACCAGCCGGATTCAGAACCCAGTGGCTTTCCT-3'
Protein context (NP_115967.2, residues 800-820): SIPSGNQFQP[Arg810Pro]CVSPIPVSPT

ClinVar aggregate classification (germline): Uncertain significance. Review status: criteria provided, multiple submitters, no conflicts (2 of 4 stars). 2 submissions from 2 submitters: Uncertain significance (2). Last evaluated 2024-02-29.

Conditions:
Dilated cardiomyopathy 1KK (CMD1KK). Identifiers: Orphanet 154, Orphanet 75249, MedGen C3714995, MONDO:0014100, OMIM 615248.

Allele frequency attached by ClinVar (database versions not stated): TOPMed below 0.00001.
gnomAD v4.1: 8 of 1,613,970 alleles (0.0005%); highest among the groups gnomAD compares: Non-Finnish European, 0.00068%; no homozygotes.

Submissions (2):

Mayo Clinic Laboratories, Mayo Clinic
Classification: Uncertain significance. Last evaluated: 2024-02-29. Review status: criteria provided, single submitter. Criteria: ACMG Guidelines, 2015. Collection method: clinical testing. Allele origin: germline. Observed: 1 variant allele.
Comment: BP4

Labcorp Genetics (formerly Invitae), Labcorp
Classification: Uncertain significance for Dilated cardiomyopathy 1KK. Last evaluated: 2018-12-26. Review status: criteria provided, single submitter. Criteria: Invitae Variant Classification Sherloc (09022015). Collection method: clinical testing. Allele origin: germline.
Comment: This sequence change replaces arginine with proline at codon 810 of the MYPN protein (p.Arg810Pro). The arginine residue is weakly conserved and there is a moderate physicochemical difference between arginine and proline. This variant is not present in population databases (ExAC no frequency). This variant has not been reported in the literature in individuals with MYPN-related conditions. Algorithms developed to predict the effect of missense changes on protein structure and function (SIFT, PolyPhen-2, Align-GVGD) all suggest that this variant is likely to be tolerated, but these predictions have not been confirmed by published functional studies and their clinical significance is uncertain. In summary, the available evidence is currently insufficient to determine the role of this variant in disease. Therefore, it has been classified as a Variant of Uncertain Significance.